The following is an entry in ClinVar:

NM_006329.4(FBLN5):c.87T>A (p.Asn29Lys)

Gene: FBLN5 (fibulin 5; minus strand). Cytogenetic location: 14q32.12.
Variant type: single nucleotide variant.
Coding change: c.87T>A on transcript NM_006329.4 (MANE Select); coding-DNA position 87, T replaced by A.
Protein change: p.Asn29Lys; replaces asparagine 29 with lysine.
Molecular consequence: missense variant. On other transcripts: 5 prime UTR variant (2).
Genome position (GRCh38, 1-based): chr14:91,940,602, A>T on the plus strand (T>A on the coding strand, the complement: FBLN5 is on the minus strand). VCF-style: chr14-91940602-A-T. GRCh37 (hg19) VCF-style: chr14-92406946-A-T.
Other names: c.87T>A, p.Asn29Lys (NM_001384158.1, NM_001384160.1); c.138T>A, p.Asn46Lys (NM_001384159.1); c.-183T>A (NM_001384161.1, NM_001384162.1); short protein forms N46K, N29K.
Identifiers: ClinVar variation 1365468 (VCV001365468.8), dbSNP rs2140052790, ClinGen allele CA390641363.

ClinVar aggregate classification (germline): Uncertain significance (1 of 4 stars; one submission).

Submission:

Labcorp Genetics (formerly Invitae), Labcorp
Classification: Uncertain significance. Last evaluated: 2021-07-03. Review status: criteria provided, single submitter. Criteria: Invitae Variant Classification Sherloc (09022015). Collection method: clinical testing. Allele origin: germline.
Comment: This sequence change replaces asparagine with lysine at codon 29 of the FBLN5 protein (p.Asn29Lys). The asparagine residue is moderately conserved and there is a moderate physicochemical difference between asparagine and lysine. This variant is not present in population databases (ExAC no frequency). This variant has not been reported in the literature in individuals affected with FBLN5-related conditions. Algorithms developed to predict the effect of missense changes on protein structure and function (SIFT, PolyPhen-2, Align-GVGD) all suggest that this variant is likely to be tolerated. In summary, the available evidence is currently insufficient to determine the role of this variant in disease. Therefore, it has been classified as a Variant of Uncertain Significance.